The following is an entry in ClinVar:

ClinVar aggregate classification (germline): Uncertain significance (1 of 4 stars; one submission).

Submission:

GeneDx
Classification: Uncertain significance. Last evaluated: 2026-04-07. Review status: criteria provided, single submitter. Criteria: GeneDx Variant Classification Process June 2021. Collection method: clinical testing. Allele origin: germline.
Comment: Not observed at significant frequency in large population cohorts (gnomAD); In silico analysis supports that this missense variant has a deleterious effect on protein structure/function; Has not been previously published as pathogenic or benign to our knowledge

NM_006940.6(SOX5):c.70G>A (p.Gly24Arg)

Gene: SOX5 (SRY-box transcription factor 5; minus strand). Cytogenetic location: 12p12.1.
Variant type: single nucleotide variant.
Coding change: c.70G>A on transcript NM_006940.6 (MANE Select); coding-DNA position 70, G replaced by A.
Protein change: p.Gly24Arg; replaces glycine 24 with arginine.
Molecular consequence: missense variant.
Genome position (GRCh38, 1-based): chr12:23,895,993, C>T on the plus strand (G>A on the coding strand, the complement: SOX5 is on the minus strand). VCF-style: chr12-23895993-C-T. GRCh37 (hg19) VCF-style: chr12-24048927-C-T.
Other names: c.31G>A, p.Gly11Arg (NM_001261414.3, NM_152989.5); c.40G>A, p.Gly14Arg (NM_001261415.3); c.70G>A, p.Gly24Arg (NM_001330785.2); short protein forms G14R, G24R, G11R.
Identifiers: ClinVar variation 5018295 (VCV005018295.1).